The following is an entry in ClinVar:

ClinVar aggregate classification (germline): Uncertain significance (1 of 4 stars; one submission).

gnomAD v4.1: 3 of 1,551,196 alleles (0.00019%); highest among the groups gnomAD compares: East Asian, 0.0024%; no homozygotes.

Submission:

GeneDx
Classification: Uncertain significance. Last evaluated: 2024-12-09. Review status: criteria provided, single submitter. Criteria: GeneDx Variant Classification Process June 2021. Collection method: clinical testing. Allele origin: germline. Affected: yes.
Comment: Not observed at significant frequency in large population cohorts (gnomAD); In silico analysis indicates that this missense variant does not alter protein structure/function; Has not been previously published as pathogenic or benign to our knowledge

NM_020928.2(ZSWIM6):c.1252A>G (p.Met418Val)

Gene: ZSWIM6 (zinc finger SWIM-type containing 6; plus strand). Cytogenetic location: 5q12.1.
Variant type: single nucleotide variant.
Coding change: c.1252A>G on transcript NM_020928.2 (MANE Select); coding-DNA position 1252, A replaced by G.
Protein change: p.Met418Val; replaces methionine 418 with valine.
Molecular consequence: missense variant.
Genome position (GRCh38, 1-based): chr5:61,494,329, A>G. VCF-style: chr5-61494329-A-G. GRCh37 (hg19) VCF-style: chr5-60790156-A-G.
Other names: short protein forms M418V.
Identifiers: ClinVar variation 3903299 (VCV003903299.1).